The following is an entry in ClinVar:

NM_000297.4(PKD2):c.1137C>G (p.His379Gln)

Gene: PKD2 (polycystin 2, transient receptor potential cation channel; plus strand). Cytogenetic location: 4q22.1.
Variant type: single nucleotide variant.
Coding change: c.1137C>G on transcript NM_000297.4 (MANE Select); coding-DNA position 1137, C replaced by G.
Protein change: p.His379Gln; replaces histidine 379 with glutamine.
Molecular consequence: missense variant. On other transcripts: non-coding transcript variant (1).
Genome position (GRCh38, 1-based): chr4:88,043,275, C>G. VCF-style: chr4-88043275-C-G. GRCh37 (hg19) VCF-style: chr4-88964427-C-G.
Other names: short protein forms H379Q.
Identifiers: ClinVar variation 2965200 (VCV002965200.3), dbSNP rs1434655696, ClinGen allele CA357615483.

ClinVar aggregate classification (germline): Uncertain significance (1 of 4 stars; one submission).

Conditions:
Autosomal dominant polycystic kidney disease. Identifiers: Orphanet 730, MedGen C0085413, MONDO:0004691.

Allele frequency attached by ClinVar (database versions not stated): gnomAD exomes below 0.00001; TOPMed below 0.00001; gnomAD 0.00001.
gnomAD v4.1: 8 of 1,613,292 alleles (0.0005%); highest among the groups gnomAD compares: Non-Finnish European, 0.00059%; no homozygotes.

Submission:

Labcorp Genetics (formerly Invitae), Labcorp
Classification: Uncertain significance for Autosomal dominant polycystic kidney disease. Last evaluated: 2023-10-15. Review status: criteria provided, single submitter. Criteria: Invitae Variant Classification Sherloc (09022015). Collection method: clinical testing. Allele origin: germline.
Comment: This sequence change replaces histidine, which is basic and polar, with glutamine, which is neutral and polar, at codon 379 of the PKD2 protein (p.His379Gln). This variant is present in population databases (no rsID available, gnomAD 0.0009%). This variant has not been reported in the literature in individuals affected with PKD2-related conditions. Advanced modeling of protein sequence and biophysical properties (such as structural, functional, and spatial information, amino acid conservation, physicochemical variation, residue mobility, and thermodynamic stability) performed at Invitae indicates that this missense variant is not expected to disrupt PKD2 protein function. In summary, the available evidence is currently insufficient to determine the role of this variant in disease. Therefore, it has been classified as a Variant of Uncertain Significance.